The following is an entry in ClinVar:

ClinVar aggregate classification (germline): Uncertain significance. Review status: criteria provided, multiple submitters, no conflicts (2 of 4 stars). 2 submissions from 2 submitters: Uncertain significance (2). Last evaluated 2022-01-31.

Conditions:
Congenital muscular dystrophy due to integrin alpha-7 deficiency. Also called: Congenital muscular dystrophy with integrin alpha-7 deficiency; Muscular dystrophy, congenital, due to ITGA7 deficiency; MYOPATHY, CONGENITAL, DUE TO INTEGRIN ALPHA-7 DEFICIENCY. Identifiers: Orphanet 34520, MedGen C2750786, MONDO:0013177, OMIM 613204.

Allele frequency attached by ClinVar (database versions not stated): TOPMed below 0.00001; gnomAD exomes 0.00001.
gnomAD v4.1: 5 of 1,613,810 alleles (0.00031%); highest among the groups gnomAD compares: Middle Eastern, 0.033%; no homozygotes.

Submissions (2):

Labcorp Genetics (formerly Invitae), Labcorp
Classification: Uncertain significance for Congenital muscular dystrophy due to integrin alpha-7 deficiency. Last evaluated: 2022-01-31. Review status: criteria provided, single submitter. Criteria: Invitae Variant Classification Sherloc (09022015). Collection method: clinical testing. Allele origin: germline.
Comment: In summary, the available evidence is currently insufficient to determine the role of this variant in disease. Therefore, it has been classified as a Variant of Uncertain Significance. Algorithms developed to predict the effect of missense changes on protein structure and function are either unavailable or do not agree on the potential impact of this missense change (SIFT: "Deleterious"; PolyPhen-2: "Probably Damaging"; Align-GVGD: "Class C0"). This variant has not been reported in the literature in individuals affected with ITGA7-related conditions. This variant is not present in population databases (gnomAD no frequency). This sequence change replaces tyrosine, which is neutral and polar, with cysteine, which is neutral and slightly polar, at codon 211 of the ITGA7 protein (p.Tyr211Cys).

Revvity Omics, Revvity
Classification: Uncertain significance for Congenital muscular dystrophy due to integrin alpha-7 deficiency. Last evaluated: 2019-01-04. Review status: criteria provided, single submitter. Criteria: ACMG Guidelines, 2015. Collection method: clinical testing. Allele origin: germline.

NM_002206.3(ITGA7):c.632A>G (p.Tyr211Cys)

Gene: ITGA7 (integrin subunit alpha 7; minus strand). Cytogenetic location: 12q13.2.
Variant type: single nucleotide variant.
Coding change: c.632A>G on transcript NM_002206.3 (MANE Select); coding-DNA position 632, A replaced by G.
Protein change: p.Tyr211Cys; replaces tyrosine 211 with cysteine.
Molecular consequence: missense variant. On other transcripts: 5 prime UTR variant (1).
Genome position (GRCh38, 1-based): chr12:55,700,937, T>C on the plus strand (A>G on the coding strand, the complement: ITGA7 is on the minus strand). VCF-style: chr12-55700937-T-C. GRCh37 (hg19) VCF-style: chr12-56094721-T-C.
Other names: c.632A>G, p.Tyr211Cys (NM_001144996.2, NM_001374465.1, NM_001410977.1 and 5 more transcripts); c.341A>G, p.Tyr114Cys (NM_001144997.2); c.293A>G, p.Tyr98Cys (NM_001367993.1, NM_001414035.1); c.-541A>G (NM_001367994.1); c.449A>G, p.Tyr150Cys (NM_001414033.1); short protein forms Y150C, Y211C, Y98C, Y114C.
Identifiers: ClinVar variation 2184403 (VCV002184403.7), dbSNP rs1432415313, ClinGen allele CA385191996.